The following is an entry in ClinVar:

NM_001382391.1(CSPP1):c.2785G>C (p.Glu929Gln)

Gene: CSPP1 (centrosome and spindle pole associated protein 1; plus strand). Cytogenetic location: 8q13.2.
Variant type: single nucleotide variant.
Coding change: c.2785G>C on transcript NM_001382391.1 (MANE Select); coding-DNA position 2785, G replaced by C.
Protein change: p.Glu929Gln; replaces glutamic acid 929 with glutamine.
Molecular consequence: missense variant.
Genome position (GRCh38, 1-based): chr8:67,164,465, G>C. VCF-style: chr8-67164465-G-C. GRCh37 (hg19) VCF-style: chr8-68076700-G-C.
Other names: c.1735G>C, p.Glu579Gln (NM_001291339.2); c.2704G>C, p.Glu902Gln (NM_001363131.2); c.2590G>C, p.Glu864Gln (NM_001363132.2); c.2509G>C, p.Glu837Gln (NM_001363133.2); c.2770G>C, p.Glu924Gln (NM_024790.7); c.2851G>C, p.Glu951Gln (NM_001364869.1); c.2671G>C, p.Glu891Gln (NM_001364870.1); short protein forms E579Q, E891Q, E924Q, E864Q, E902Q, E951Q, E837Q, E929Q.
Identifiers: ClinVar variation 2012547 (VCV002012547.4), dbSNP rs1486094930, ClinGen allele CA371193399.

ClinVar aggregate classification (germline): Uncertain significance (1 of 4 stars; one submission).

Conditions:
Joubert syndrome 21 (JBTS21). Identifiers: MedGen C3810212, MONDO:0014288, OMIM 615636.

Allele frequency attached by ClinVar (database versions not stated): gnomAD 0.00001.
gnomAD v4.1: 2 of 1,600,874 alleles (0.00012%); highest among the groups gnomAD compares: African/African-American, 0.0027%; no homozygotes.

Submission:

Labcorp Genetics (formerly Invitae), Labcorp
Classification: Uncertain significance for Joubert syndrome 21. Last evaluated: 2022-06-30. Review status: criteria provided, single submitter. Criteria: Invitae Variant Classification Sherloc (09022015). Collection method: clinical testing. Allele origin: germline.
Comment: This variant is present in population databases (no rsID available, gnomAD 0.02%). This variant has not been reported in the literature in individuals affected with CSPP1-related conditions. Algorithms developed to predict the effect of missense changes on protein structure and function (SIFT, PolyPhen-2, Align-GVGD) all suggest that this variant is likely to be tolerated. In summary, the available evidence is currently insufficient to determine the role of this variant in disease. Therefore, it has been classified as a Variant of Uncertain Significance. This sequence change replaces glutamic acid, which is acidic and polar, with glutamine, which is neutral and polar, at codon 924 of the CSPP1 protein (p.Glu924Gln).